The following is an entry in ClinVar:

ClinVar aggregate classification (germline): Uncertain significance (1 of 4 stars; one submission).

Conditions:
2-aminoadipic 2-oxoadipic aciduria (AAKAD). Also called: Aminoadipic aciduria; ALPHA-AMINOADIPIC AND ALPHA-KETOADIPIC ACIDURIA. Identifiers: Orphanet 79154, MedGen C1859817, MONDO:0008774, OMIM 204750.

Submission:

Labcorp Genetics (formerly Invitae), Labcorp
Classification: Uncertain significance for 2-aminoadipic 2-oxoadipic aciduria. Last evaluated: 2024-01-16. Review status: criteria provided, single submitter. Criteria: Invitae Variant Classification Sherloc (09022015). Collection method: clinical testing. Allele origin: germline.
Comment: This sequence change replaces glutamine, which is neutral and polar, with histidine, which is basic and polar, at codon 909 of the DHTKD1 protein (p.Gln909His). This variant is not present in population databases (gnomAD no frequency). This variant has not been reported in the literature in individuals affected with DHTKD1-related conditions. Advanced modeling of protein sequence and biophysical properties (such as structural, functional, and spatial information, amino acid conservation, physicochemical variation, residue mobility, and thermodynamic stability) performed at Invitae indicates that this missense variant is not expected to disrupt DHTKD1 protein function with a negative predictive value of 80%. In summary, the available evidence is currently insufficient to determine the role of this variant in disease. Therefore, it has been classified as a Variant of Uncertain Significance.

NM_018706.7(DHTKD1):c.2727G>T (p.Gln909His)

Gene: DHTKD1 (dehydrogenase E1 and transketolase domain containing 1; plus strand). Cytogenetic location: 10p14.
Variant type: single nucleotide variant.
Coding change: c.2727G>T on transcript NM_018706.7 (MANE Select); coding-DNA position 2727, G replaced by T.
Protein change: p.Gln909His; replaces glutamine 909 with histidine.
Molecular consequence: missense variant.
Genome position (GRCh38, 1-based): chr10:12,120,855, G>T. VCF-style: chr10-12120855-G-T. GRCh37 (hg19) VCF-style: chr10-12162854-G-T.
Other names: short protein forms Q909H.
Identifiers: ClinVar variation 2709639 (VCV002709639.3), dbSNP rs376986154, ClinGen allele CA376017870.
Genomic context (GRCh38, chr10:12,120,855, plus strand): 5'-GGTGGGCCGGCCCCCTTTGCCAGTACCCGCTGTAGGAATTGGCACAGTTCACTTGCACCA[G>T]CATGAAGATATCCTCGCCAAGACCTTCGCTTGATGATGACTTTTGAAGAAACACTATTTC-3'
Protein context (NP_061176.4, residues 899-919): AVGIGTVHLH[Gln909His]HEDILAKTFA